The following is an entry in ClinVar:

ClinVar aggregate classification (germline): Pathogenic/Likely pathogenic. Review status: criteria provided, multiple submitters, no conflicts (2 of 4 stars). 3 submissions from 3 submitters: Pathogenic (2); Likely pathogenic (1). Last evaluated 2022-12-02.

Conditions:
Fanconi anemia complementation group J. Also called: BRIP1-Related Fanconi Anemia. Identifiers: Orphanet 84, MedGen C1836860, MONDO:0012187, OMIM 609054.
Familial cancer of breast. Also called: BREAST CANCER, FAMILIAL; hereditary breast carcinoma; Hereditary breast cancer. Identifiers: Orphanet 227535, MedGen C0346153, MONDO:0016419, OMIM 114480. Disease mechanism: loss of function.
Hereditary cancer-predisposing syndrome. Also called: Hereditary neoplastic syndrome; Neoplastic Syndromes, Hereditary; Hereditary Cancer Syndrome; Tumor predisposition. Identifiers: Orphanet 140162, MedGen C0027672, MeSH D009386, MONDO:0015356.

Allele frequency attached by ClinVar (database versions not stated): gnomAD exomes below 0.00001.

Submissions (3):

Baylor Genetics
Classification: Likely pathogenic for Familial cancer of breast. Last evaluated: 2022-12-02. Review status: criteria provided, single submitter. Criteria: ACMG Guidelines, 2015. Collection method: clinical testing. Allele origin: unknown.

Labcorp Genetics (formerly Invitae), Labcorp
Classification: Pathogenic for Familial cancer of breast; Fanconi anemia complementation group J. Last evaluated: 2022-02-20. Review status: criteria provided, single submitter. Criteria: Invitae Variant Classification Sherloc (09022015). Collection method: clinical testing. Allele origin: germline.
Comment: For these reasons, this variant has been classified as Pathogenic. ClinVar contains an entry for this variant (Variation ID: 569616). This variant has not been reported in the literature in individuals affected with BRIP1-related conditions. This variant is not present in population databases (gnomAD no frequency). This sequence change creates a premature translational stop signal (p.Tyr371Thrfs*4) in the BRIP1 gene. It is expected to result in an absent or disrupted protein product. Loss-of-function variants in BRIP1 are known to be pathogenic (PMID: 16116423, 17033622, 21964575).

Color Diagnostics, LLC DBA Color Health
Classification: Pathogenic for Hereditary cancer-predisposing syndrome. Last evaluated: 2021-01-25. Review status: criteria provided, single submitter. Criteria: ACMG Guidelines, 2015. Collection method: clinical testing. Allele origin: germline.
Comment: This variant inserts 2 nucleotides in exon 8 of the BRIP1 gene, creating a frameshift and premature translation stop signal. This variant is expected to result in an absent or non-functional protein product. To our knowledge, this variant has not been reported in individuals affected with hereditary cancer in the literature. This variant has not been identified in the general population by the Genome Aggregation Database (gnomAD). Loss of BRIP1 function is a known mechanism of disease. Based on the available evidence, this variant is classified as Pathogenic.

Literature cited by the submitters: PubMed 16116423 (cited by Labcorp Genetics (formerly Invitae), Labcorp); PubMed 17033622 (cited by Labcorp Genetics (formerly Invitae), Labcorp); PubMed 21964575 (cited by Labcorp Genetics (formerly Invitae), Labcorp).

NM_032043.3(BRIP1):c.1109_1110dup (p.Tyr371fs)

Gene: BRIP1 (BRCA1 interacting DNA helicase 1; minus strand). Cytogenetic location: 17q23.2.
Variant type: Duplication.
Coding change: c.1109_1110dup on transcript NM_032043.3 (MANE Select); coding-DNA positions 1109 to 1110, 2 bases duplicated (AC; older notation c.1109_1110dupAC).
Protein change: p.Tyr371fs; shifts the reading frame from tyrosine 371.
Molecular consequence: frameshift variant.
Genome position (GRCh38, 1-based): chr17:61,801,283-61,801,284, GT duplicated on the plus strand (AC on the coding strand, the reverse complement: BRIP1 is on the minus strand). VCF-style (leftmost placement, unchanged base first): chr17-61801282-A-AGT. GRCh37 (hg19) VCF-style: chr17-59878643-A-AGT.
Other names: c.1109_1110dupAC (NM_032043.2); short protein forms Y371fs.
Identifiers: ClinVar variation 569616 (VCV000569616.12), dbSNP rs1567831477, ClinGen allele CA891843524.
Genomic context (GRCh38, chr17:61,801,282, plus strand): 5'-AGAAGGTTCTCATTTTTACACATATACTCACACTTTCCCTTATTTGTGCATCTAGAAGAT[A>AGT]GTTGTAGGGACAAAATATGATGTCAGCATCTTGTATTAGTTCTCGGGCTGTGTAATATGG-3'